The following is an entry in ClinVar:

NM_000126.4(ETFA):c.53G>A (p.Arg18Gln)

Gene: ETFA (electron transfer flavoprotein subunit alpha; minus strand). Cytogenetic location: 15q24.2.
Variant type: single nucleotide variant.
Coding change: c.53G>A on transcript NM_000126.4 (MANE Select); coding-DNA position 53, G replaced by A.
Protein change: p.Arg18Gln; replaces arginine 18 with glutamine.
Molecular consequence: missense variant. On other transcripts: intron variant (1).
Genome position (GRCh38, 1-based): chr15:76,295,724, C>T on the plus strand (G>A on the coding strand, the complement: ETFA is on the minus strand). VCF-style: chr15-76295724-C-T. GRCh37 (hg19) VCF-style: chr15-76588065-C-T.
Other names: c.40-3024G>A (NM_001127716.2); short protein forms R18Q.
Identifiers: ClinVar variation 2177506 (VCV002177506.1), dbSNP rs766942384, ClinGen allele CA7673865.

ClinVar aggregate classification (germline): Uncertain significance (1 of 4 stars; one submission).

Conditions:
Multiple acyl-CoA dehydrogenase deficiency (MADD). Also called: Glutaric Acidemia type 2; Glutaric aciduria, type 2; ETHYLMALONIC-ADIPICACIDURIA; GA II; Glutaric acidemia type II; GA 2. Identifiers: Orphanet 26791, MedGen C0268596, MONDO:0009282, OMIM 231680.

Allele frequency attached by ClinVar (database versions not stated): ExAC 0.00002.
gnomAD v4.1: 18 of 1,606,274 alleles (0.0011%); highest among the groups gnomAD compares: South Asian, 0.0022%; no homozygotes.

Submission:

Labcorp Genetics (formerly Invitae), Labcorp
Classification: Uncertain significance for Multiple acyl-CoA dehydrogenase deficiency. Last evaluated: 2021-09-24. Review status: criteria provided, single submitter. Criteria: Invitae Variant Classification Sherloc (09022015). Collection method: clinical testing. Allele origin: germline.
Comment: This sequence change replaces arginine with glutamine at codon 18 of the ETFA protein (p.Arg18Gln). The arginine residue is highly conserved and there is a small physicochemical difference between arginine and glutamine. This variant is present in population databases (rs766942384, ExAC 0.003%). This variant has not been reported in the literature in individuals with ETFA-related conditions. Algorithms developed to predict the effect of missense changes on protein structure and function are either unavailable or do not agree on the potential impact of this missense change (SIFT: "Tolerated"; PolyPhen-2: "Probably Damaging"; Align-GVGD: "Class C0"). In summary, the available evidence is currently insufficient to determine the role of this variant in disease. Therefore, it has been classified as a Variant of Uncertain Significance.